The following is an entry in ClinVar:

ClinVar aggregate classification (germline): Likely benign (0 of 4 stars; one submission).

Conditions:
PEX10-related disorder. Also called: PEX10-related condition.

gnomAD v4.1: 3 of 1,613,362 alleles (0.00019%); highest among the groups gnomAD compares: Non-Finnish European, 0.00025%; no homozygotes.

Submission:

PreventionGenetics, part of Exact Sciences
Classification: Likely benign for PEX10-related condition. Last evaluated: 2024-05-22. Review status: no assertion criteria provided. Collection method: clinical testing. Allele origin: germline.
Comment: This variant is classified as likely benign based on ACMG/AMP sequence variant interpretation guidelines (Richards et al. 2015 PMID: 25741868, with internal and published modifications).

NM_002617.4(PEX10):c.193+6A>G

Gene: PEX10 (peroxisomal biogenesis factor 10; minus strand). Cytogenetic location: 1p36.32.
Variant type: single nucleotide variant.
Coding change: c.193+6A>G on transcript NM_002617.4 (MANE Select); 6 bases into the intron after coding-DNA position 193, A replaced by G.
Molecular consequence: intron variant.
Genome position (GRCh38, 1-based): chr1:2,410,365, T>C on the plus strand (A>G on the coding strand, the complement: PEX10 is on the minus strand). VCF-style: chr1-2410365-T-C. GRCh37 (hg19) VCF-style: chr1-2341804-T-C.
Other names: c.-240+6A>G (NM_001374427.1, NM_001374426.1); c.193+6A>G (NM_001374425.1, NM_153818.2).
Identifiers: ClinVar variation 3346235 (VCV003346235.1).